The following is an entry in ClinVar:

ClinVar aggregate classification (germline): Uncertain significance (1 of 4 stars; one submission).

Submission:

Human Genome Sequencing Center Clinical Lab, Baylor College of Medicine
Classification: Uncertain significance. Last evaluated: 2025-05-01. Review status: criteria provided, single submitter. Criteria: ACMG Guidelines, 2015. Collection method: research, in vitro. Allele origin: inherited, not applicable. Affected: yes. Functional consequence: decreased enzyme activity.
Comment: An inherited missense variant (NM_000665.5:c.499C>G, p.Arg167Gly) with a CADD score of 26.7 (REVEL: 0.523; AlphaMissense: ambiguous). Functional studies demonstrated markedly reduced but detectable acetylcholinesterase activity in HEK293 cells transfected with constructs carrying this variant.

NM_000665.5(ACHE):c.499C>G (p.Arg167Gly)

Gene: ACHE (acetylcholinesterase (Yt blood group); minus strand). Cytogenetic location: 7q22.1.
Variant type: single nucleotide variant.
Coding change: c.499C>G on transcript NM_000665.5 (MANE Select); coding-DNA position 499, C replaced by G.
Protein change: p.Arg167Gly; replaces arginine 167 with glycine.
Molecular consequence: missense variant. On other transcripts: non-coding transcript variant (2).
Genome position (GRCh38, 1-based): chr7:100,893,734, G>C on the plus strand (C>G on the coding strand, the complement: ACHE is on the minus strand). VCF-style: chr7-100893734-G-C. GRCh37 (hg19) VCF-style: chr7-100491355-G-C.
Other names: c.499C>G, p.Arg167Gly (NM_001282449.2, NM_001302621.3, NM_001302622.2 and 2 more transcripts); c.700C>G, p.Arg234Gly (NM_001367918.1); c.697C>G, p.Arg233Gly (NM_001367919.2); short protein forms R167G, R233G, R234G.
Identifiers: ClinVar variation 4819197 (VCV004819197.1).